The following is an entry in ClinVar:

NM_015272.5(RPGRIP1L):c.2803T>C (p.Phe935Leu)

Gene: RPGRIP1L (RPGRIP1 like; minus strand). Cytogenetic location: 16q12.2.
Variant type: single nucleotide variant.
Coding change: c.2803T>C on transcript NM_015272.5 (MANE Select); coding-DNA position 2803, T replaced by C.
Protein change: p.Phe935Leu; replaces phenylalanine 935 with leucine.
Molecular consequence: missense variant.
Genome position (GRCh38, 1-based): chr16:53,641,356, A>G on the plus strand (T>C on the coding strand, the complement: RPGRIP1L is on the minus strand). VCF-style: chr16-53641356-A-G. GRCh37 (hg19) VCF-style: chr16-53675268-A-G.
Other names: c.2803T>C, p.Phe935Leu (NM_001127897.4, NM_001308334.3, NM_001330538.2); short protein forms F935L.
Identifiers: ClinVar variation 2628593 (VCV002628593.2), dbSNP rs1274851334, ClinGen allele CA395927248.

ClinVar aggregate classification (germline): Uncertain significance (1 of 4 stars; one submission).

Conditions:
RPGRIP1L-related disorder. Also called: RPGRIP1L-related condition; RPGRIP1L-related disorders. Identifiers: MedGen CN239416.

Allele frequency attached by ClinVar (database versions not stated): gnomAD exomes below 0.00001; gnomAD 0.00001; TOPMed 0.00001.
gnomAD v4.1: 6 of 1,613,980 alleles (0.00037%); highest among the groups gnomAD compares: Non-Finnish European, 0.00051%; no homozygotes.

Submission:

PreventionGenetics, part of Exact Sciences
Classification: Uncertain significance for RPGRIP1L-related condition. Last evaluated: 2026-03-31. Review status: criteria provided, single submitter. Criteria: ACMG Guidelines, 2015. Collection method: clinical testing. Allele origin: germline.
Comment: The RPGRIP1L c.2803T>C variant is predicted to result in the amino acid substitution p.Phe935Leu. To our knowledge, this variant has not been reported in the literature or in a large population database (gnomAD), indicating it is rare. At this time, the clinical significance of this variant is uncertain due to the absence of conclusive functional and genetic evidence.